The following is an entry in ClinVar:

NM_000059.4(BRCA2):c.2860G>T (p.Glu954Ter)

Gene: BRCA2 (BRCA2 DNA repair associated; plus strand). Cytogenetic location: 13q13.1.
Variant type: single nucleotide variant.
Coding change: c.2860G>T on transcript NM_000059.4 (MANE Select); coding-DNA position 2860, G replaced by T.
Protein change: p.Glu954Ter; replaces glutamic acid 954 with a stop codon.
Molecular consequence: nonsense.
Genome position (GRCh38, 1-based): chr13:32,337,215, G>T. VCF-style: chr13-32337215-G-T. GRCh37 (hg19) VCF-style: chr13-32911352-G-T.
Other names: short protein forms E954*.
Identifiers: ClinVar variation 438964 (VCV000438964.4), dbSNP rs1555282911, ClinGen allele CA387773975.
Genomic context (GRCh38, chr13:32,337,215, plus strand): 5'-GGTGATAAACAAGCAACCCAAGTGTCAATTAAAAAAGATTTGGTTTATGTTCTTGCAGAG[G>T]AGAACAAAAATAGTGTAAAGCAGCATATAAAAATGACTCTAGGTCAAGATTTAAAATCGG-3'

ClinVar aggregate classification (germline): Pathogenic. Review status: reviewed by expert panel (3 of 4 stars). 2 submissions from 2 submitters: Pathogenic (1). 1 of the submissions does not count toward it. Last evaluated 2017-12-15.

Conditions:
Breast-ovarian cancer, familial, susceptibility to, 2 (BROVCA2). Also called: BRCA2 Hereditary Breast and Ovarian Cancer. Identifiers: Orphanet 145, MedGen C2675520, MONDO:0012933, OMIM 612555. Disease mechanism: loss of function.

Submissions (2):

Evidence-based Network for the Interpretation of Germline Mutant Alleles (ENIGMA)
Classification: Pathogenic for Breast-ovarian cancer, familial, susceptibility to, 2. Last evaluated: 2017-12-15. Review status: reviewed by expert panel. Criteria: ENIGMA BRCA1/2 Classification Criteria (2017-06-29). Collection method: curation. Allele origin: germline. Study: ENIGMA.
Comment: Variant allele predicted to encode a truncated non-functional protein.

Quest Diagnostics Nichols Institute San Juan Capistrano
Classification: Likely pathogenic. Last evaluated: 2017-05-28. Review status: criteria provided, single submitter. Criteria: Quest Diagnostics criteria. Collection method: clinical testing. Allele origin: germline. Not counted in ClinVar's aggregate classification.

Literature cited by the submitters: PubMed 23929434 (cited by Quest Diagnostics Nichols Institute San Juan Capistrano).